The following is an entry in ClinVar:

NM_013275.6(ANKRD11):c.1349A>G (p.Glu450Gly)

Gene: ANKRD11 (ankyrin repeat domain containing 11; minus strand). Cytogenetic location: 16q24.3.
Variant type: single nucleotide variant.
Coding change: c.1349A>G on transcript NM_013275.6 (MANE Select); coding-DNA position 1349, A replaced by G.
Protein change: p.Glu450Gly; replaces glutamic acid 450 with glycine.
Molecular consequence: missense variant.
Genome position (GRCh38, 1-based): chr16:89,285,193, T>C on the plus strand (A>G on the coding strand, the complement: ANKRD11 is on the minus strand). VCF-style: chr16-89285193-T-C. GRCh37 (hg19) VCF-style: chr16-89351601-T-C.
Other names: c.1349A>G, p.Glu450Gly (NM_001256182.2, NM_001256183.2); short protein forms E450G.
Identifiers: ClinVar variation 2577703 (VCV002577703.1), dbSNP rs2544245383, ClinGen allele CA397165150.
Genomic context (GRCh38, chr16:89,285,193, plus strand): 5'-CCGAAGCGAACCTCTCTGCCTTTTGTTTCTTTCTTTCGCTTCTTTTTCACTTTATTTTTT[T>C]CCTTCTGCTGCTTGGCATTAGAAGGCTCTCGTGTCTTACTACCAGGCAATATCGTATGTG-3'
Protein context (NP_037407.4, residues 440-460): REPSNAKQQK[Glu450Gly]KNKVKKKRKK

ClinVar aggregate classification (germline): Uncertain significance (1 of 4 stars; one submission).

Submission:

GeneDx
Classification: Uncertain significance. Last evaluated: 2023-02-27. Review status: criteria provided, single submitter. Criteria: GeneDx Variant Classification Process June 2021. Collection method: clinical testing. Allele origin: germline. Affected: yes.
Comment: Not observed at significant frequency in large population cohorts (gnomAD); In silico analysis supports that this missense variant has a deleterious effect on protein structure/function; Has not been previously published as pathogenic or benign to our knowledge